The following is an entry in ClinVar:

NM_024675.4(PALB2):c.109-12T>C

Gene: PALB2 (partner and localizer of BRCA2; minus strand). Cytogenetic location: 16p12.2.
Variant type: single nucleotide variant.
Coding change: c.109-12T>C on transcript NM_024675.4 (MANE Select); 12 bases into the intron before coding-DNA position 109, T replaced by C.
Molecular consequence: intron variant.
Genome position (GRCh38, 1-based): chr16:23,637,964, A>G on the plus strand (T>C on the coding strand, the complement: PALB2 is on the minus strand). VCF-style: chr16-23637964-A-G. GRCh37 (hg19) VCF-style: chr16-23649285-A-G.
Other names: c.-777-12T>C (NM_001407308.1, NM_001407306.1, NM_001407307.1 and 5 more transcripts); c.48+3146T>C (NM_001407314.1); c.-105+3146T>C (NM_001407313.1, NM_001407312.1); c.49-12T>C (NM_001407296.1); c.109-12T>C (NM_001407297.1, NM_001407302.1, NM_001407298.1 and 3 more transcripts).
Identifiers: ClinVar variation 3904019 (VCV003904019.1).
Genomic context (GRCh38, chr16:23,637,964, plus strand): 5'-CTACTGTTTTCTTAATAGAATGCTTAATCTTTTCAGCTCTTTGGGCACGCTAGAGGAGAC[A>G]AAAACAGCCCCAGAAATACGTTTTCTTTAAAGTTTTATAGAGTCAAGAACTGTTTTTAAA-3'

ClinVar aggregate classification (germline): Likely benign (1 of 4 stars; one submission).

Conditions:
Familial cancer of breast. Also called: Hereditary breast cancer; hereditary breast carcinoma; BREAST CANCER, FAMILIAL. Identifiers: Orphanet 227535, MedGen C0346153, MONDO:0016419, OMIM 114480. Disease mechanism: loss of function.

Submission:

Myriad Genetics, Inc.
Classification: Likely benign for Familial cancer of breast. Last evaluated: 2025-01-09. Review status: criteria provided, single submitter. Criteria: Myriad Autosomal Dominant, Autosomal Recessive and X-Linked Classification Criteria (2023). Collection method: clinical testing. Allele origin: unknown.
Comment: This variant is considered likely benign. This variant is intronic and is not expected to impact mRNA splicing.